The following is an entry in ClinVar:

NM_000751.3(CHRND):c.449C>G (p.Ser150Cys)

Gene: CHRND (cholinergic receptor nicotinic delta subunit; plus strand). Cytogenetic location: 2q37.1.
Variant type: single nucleotide variant.
Coding change: c.449C>G on transcript NM_000751.3 (MANE Select); coding-DNA position 449, C replaced by G.
Protein change: p.Ser150Cys; replaces serine 150 with cysteine.
Molecular consequence: missense variant.
Genome position (GRCh38, 1-based): chr2:232,528,596, C>G. VCF-style: chr2-232528596-C-G. GRCh37 (hg19) VCF-style: chr2-233393306-C-G.
Other names: c.404C>G, p.Ser135Cys (NM_001256657.2); c.178C>G, p.Pro60Ala (NM_001311195.2); c.146C>G, p.Ser49Cys (NM_001311196.2); short protein forms S150C, S49C, S135C, P60A.
Identifiers: ClinVar variation 842187 (VCV000842187.10), dbSNP rs1441233980, ClinGen allele CA350998271.

ClinVar aggregate classification (germline): Uncertain significance (1 of 4 stars; one submission).

Conditions:
Lethal multiple pterygium syndrome (LMPS). Identifiers: Orphanet 33108, MedGen C1854678, MONDO:0009668, OMIM 253290.

Allele frequency attached by ClinVar (database versions not stated): TOPMed below 0.00001.

Submission:

Labcorp Genetics (formerly Invitae), Labcorp
Classification: Uncertain significance for Lethal multiple pterygium syndrome. Last evaluated: 2019-12-24. Review status: criteria provided, single submitter. Criteria: Invitae Variant Classification Sherloc (09022015). Collection method: clinical testing. Allele origin: germline.
Comment: This variant is not present in population databases (ExAC no frequency). This sequence change replaces serine with cysteine at codon 150 of the CHRND protein (p.Ser150Cys). The serine residue is highly conserved and there is a moderate physicochemical difference between serine and cysteine. This variant has not been reported in the literature in individuals with CHRND-related conditions. In summary, the available evidence is currently insufficient to determine the role of this variant in disease. Therefore, it has been classified as a Variant of Uncertain Significance. Algorithms developed to predict the effect of missense changes on protein structure and function are either unavailable or do not agree on the potential impact of this missense change (SIFT: "Deleterious"; PolyPhen-2: "Probably Damaging"; Align-GVGD: "Class C0").